The following is an entry in ClinVar:

ClinVar aggregate classification (germline): Uncertain significance. Review status: criteria provided, multiple submitters, no conflicts (2 of 4 stars). 5 submissions from 5 submitters: Uncertain significance (5). Last evaluated 2025-01-03.

Conditions:
Hereditary cancer-predisposing syndrome. Also called: Hereditary Cancer Syndrome; Neoplastic Syndromes, Hereditary; Tumor predisposition; Hereditary neoplastic syndrome. Identifiers: Orphanet 140162, MedGen C0027672, MeSH D009386, MONDO:0015356.
Ataxia-telangiectasia syndrome (AT). Also called: Cerebello-oculocutaneous telangiectasia; Immunodeficiency with ataxia telangiectasia; Ataxia-telangiectasia, complementation group E; Ataxia-telangiectasia, complementation group D; AT, COMPLEMENTATION GROUP C; ATAXIA-TELANGIECTASIA, COMPLEMENTATION GROUP A. Identifiers: Orphanet 100, MedGen C0004135, MONDO:0008840, OMIM 208900.

Submissions (5):

Ambry Genetics
Classification: Uncertain significance for Hereditary cancer-predisposing syndrome. Last evaluated: 2025-01-03. Review status: criteria provided, single submitter. Criteria: Ambry Variant Classification Scheme 2023. Collection method: clinical testing. Allele origin: germline.
Comment: The c.6283_6288delCTAGAA variant (also known as p.L2095_E2096del) is located in coding exon 42 of the ATM gene. This variant results from an in-frame CTAGAA deletion at nucleotide positions 6283 to 6288. This results in the in-frame deletion of a leucine and glutamic acid at codons 2095 and 2096. This variant has been reported in 1 of 1197 individuals from Greece, Romania, and Turkey undergoing evaluation for inherited cancer predisposition (Tsaousis GN et al. BMC Cancer, 2019 Jun;19:535). This amino acid region is poorly conserved in available vertebrate species. In addition, this alteration is predicted to be deleterious by in silico analysis (Choi Y et al. PLoS ONE. 2012; 7(10):e46688). Based on the available evidence, the clinical significance of this variant remains unclear.

Labcorp Genetics (formerly Invitae), Labcorp
Classification: Uncertain significance for Ataxia-telangiectasia syndrome. Last evaluated: 2024-10-02. Review status: criteria provided, single submitter. Criteria: Invitae Variant Classification Sherloc (09022015). Collection method: clinical testing. Allele origin: germline.
Comment: This variant, c.6283_6288del, results in the deletion of 2 amino acid(s) of the ATM protein (p.Leu2095_Glu2096del), but otherwise preserves the integrity of the reading frame. This variant is not present in population databases (gnomAD no frequency). This variant has not been reported in the literature in individuals affected with ATM-related conditions. ClinVar contains an entry for this variant (Variation ID: 584494). Experimental studies and prediction algorithms are not available or were not evaluated, and the functional significance of this variant is currently unknown. In summary, the available evidence is currently insufficient to determine the role of this variant in disease. Therefore, it has been classified as a Variant of Uncertain Significance.

Color Diagnostics, LLC DBA Color Health
Classification: Uncertain significance for Hereditary cancer-predisposing syndrome. Last evaluated: 2020-11-11. Review status: criteria provided, single submitter. Criteria: ACMG Guidelines, 2015. Collection method: clinical testing. Allele origin: germline.
Comment: This variant causes an in-frame deletion of 2 amino acids of the ATM protein. To our knowledge, functional studies have not been reported for this variant. This variant has not been reported in individuals affected with hereditary cancer in the literature. This variant has not been identified in the general population by the Genome Aggregation Database (gnomAD). The available evidence is insufficient to determine the role of this variant in disease conclusively. Therefore, this variant is classified as a Variant of Uncertain Significance.

Institute for Clinical Genetics, University Hospital TU Dresden, University Hospital TU Dresden
Classification: Uncertain significance. Last evaluated: 2020-05-12. Review status: criteria provided, single submitter. Criteria: ACMG Guidelines, 2015. Collection method: clinical testing. Allele origin: germline.

GeneKor MSA
Classification: Uncertain significance for Hereditary cancer-predisposing syndrome. Last evaluated: 2018-08-01. Review status: criteria provided, single submitter. Criteria: ACMG Guidelines, 2015. Collection method: clinical testing. Allele origin: germline. Affected: no.

Literature cited by the submitters: PubMed 31159747 (cited by Ambry Genetics).

NM_000051.4(ATM):c.6283_6288del (p.Leu2095_Glu2096del)

Genes: ATM (ATM serine/threonine kinase; plus strand), C11orf65 (chromosome 11 open reading frame 65; minus strand). Cytogenetic location: 11q22.3.
Variant type: Deletion.
Coding change: c.6283_6288del on transcript NM_000051.4 (MANE Select); coding-DNA positions 6283 to 6288, 6 bases deleted (CTAGAA; older notation c.6283_6288delCTAGAA).
Protein change: p.Leu2095_Glu2096del.
Molecular consequence: inframe deletion. On other transcripts: intron variant (2).
Genome position (GRCh38, 1-based): chr11:108,317,457-108,317,462, CTAGAA deleted; deleting any 6 consecutive bases within chr11:108,317,454-108,317,462 gives the same sequence; the c. name uses the placement nearest the transcript's 3' end. VCF-style (leftmost placement, unchanged base first): chr11-108317453-TGAACTA-T. GRCh37 (hg19) VCF-style: chr11-108188180-TGAACTA-T.
Other names: c.6283_6288del, p.Leu2095_Glu2096del (NM_001351834.2); c.641-8388_641-8383del (NM_001330368.2); c.*39-8388_*39-8383del (NM_001351110.2).
Identifiers: ClinVar variation 584494 (VCV000584494.17), dbSNP rs1565503206, ClinGen allele CA891842649.